The following is an entry in ClinVar:

ClinVar aggregate classification (germline): Uncertain significance. Review status: criteria provided, multiple submitters, no conflicts (2 of 4 stars). 6 submissions from 6 submitters: Uncertain significance (6). Last evaluated 2026-01-27.

Conditions:
Hereditary breast ovarian cancer syndrome. Also called: Breast and ovarian cancer; Hereditary breast and ovarian cancer; BRCA1- and BRCA2-Associated Hereditary Breast and Ovarian Cancer; Hereditary breast and/or ovarian cancer syndrome; Hereditary breast and ovarian cancer syndrome; Hereditary breast and ovarian cancer syndrome (HBOC). Identifiers: Orphanet 145, MedGen C0677776, MeSH D061325, MONDO:0003582. Disease mechanism: loss of function.
Familial cancer of breast. Also called: hereditary breast carcinoma; Hereditary breast cancer; BREAST CANCER, FAMILIAL. Identifiers: Orphanet 227535, MedGen C0346153, MONDO:0016419, OMIM 114480. Disease mechanism: loss of function.
BRCA2-related cancer predisposition. Identifiers: MedGen CN377758, MONDO:0700269.
Hereditary cancer-predisposing syndrome. Also called: Hereditary neoplastic syndrome; Hereditary Cancer Syndrome; Tumor predisposition; Neoplastic Syndromes, Hereditary. Identifiers: Orphanet 140162, MedGen C0027672, MeSH D009386, MONDO:0015356.

Allele frequency attached by ClinVar (database versions not stated): gnomAD exomes below 0.00001; ExAC 0.00001.

Submissions (6):

Labcorp Genetics (formerly Invitae), Labcorp
Classification: Uncertain significance for Hereditary breast ovarian cancer syndrome. Last evaluated: 2026-01-27. Review status: criteria provided, single submitter. Criteria: Invitae Variant Classification Sherloc (09022015). Collection method: clinical testing. Allele origin: germline.
Comment: This sequence change replaces proline, which is neutral and non-polar, with alanine, which is neutral and non-polar, at codon 3189 of the BRCA2 protein (p.Pro3189Ala). This variant is present in population databases (rs772385867, gnomAD 0.007%). This variant has not been reported in the literature in individuals affected with BRCA2-related conditions. ClinVar contains an entry for this variant (Variation ID: 439020). Invitae Evidence Modeling of protein sequence and biophysical properties (such as structural, functional, and spatial information, amino acid conservation, physicochemical variation, residue mobility, and thermodynamic stability) indicates that this missense variant is not expected to disrupt BRCA2 protein function with a negative predictive value of 95%. In summary, the available evidence is currently insufficient to determine the role of this variant in disease. Therefore, it has been classified as a Variant of Uncertain Significance.

Women's Health and Genetics/Laboratory Corporation of America, LabCorp
Classification: Uncertain significance. Last evaluated: 2024-04-10. Review status: criteria provided, single submitter. Criteria: LabCorp Variant Classification Summary - May 2015. Collection method: clinical testing. Allele origin: germline.

Ambry Genetics
Classification: Uncertain significance for Hereditary cancer-predisposing syndrome. Last evaluated: 2024-03-14. Review status: criteria provided, single submitter. Criteria: Ambry Variant Classification Scheme 2023. Collection method: clinical testing. Allele origin: germline.
Comment: The p.P3189A variant (also known as c.9565C>G), located in coding exon 25 of the BRCA2 gene, results from a C to G substitution at nucleotide position 9565. The proline at codon 3189 is replaced by alanine, an amino acid with highly similar properties. This amino acid position is not well conserved in available vertebrate species. In addition, the in silico prediction for this alteration is inconclusive. Since supporting evidence is limited at this time, the clinical significance of this alteration remains unclear.

All of Us Research Program, National Institutes of Health
Classification: Uncertain significance for BRCA2-related cancer predisposition. Last evaluated: 2024-03-05. Review status: criteria provided, single submitter. Criteria: ACMG Guidelines, 2015. Collection method: clinical testing. Allele origin: germline. Inheritance: Autosomal dominant inheritance. Observed: 2 variant alleles, 2 heterozygotes.
Comment: This missense variant replaces proline with alanine at codon 3189 of the BRCA2 protein. Computational prediction is inconclusive regarding the impact of this variant on protein structure and function (internally defined REVEL score threshold 0.5 < inconclusive < 0.7, PMID: 27666373). To our knowledge, functional studies have not been reported for this variant. This variant has not been reported in individuals affected with hereditary cancer in the literature. This variant has been identified in 1/251406 chromosomes in the general population by the Genome Aggregation Database (gnomAD). The available evidence is insufficient to determine the role of this variant in disease conclusively. Therefore, this variant is classified as a Variant of Uncertain Significance.

This study involves interpretation of variants in research participants for the purpose of population health screening. Participant phenotype was not available at the time of variant classification. Additional details can be found in publication PMID: 35346344, PMCID: PMC8962531

Baylor Genetics
Classification: Uncertain significance for Familial cancer of breast. Last evaluated: 2023-09-12. Review status: criteria provided, single submitter. Criteria: ACMG Guidelines, 2015. Collection method: clinical testing. Allele origin: unknown.

Quest Diagnostics Nichols Institute San Juan Capistrano
Classification: Uncertain significance. Last evaluated: 2016-09-08. Review status: criteria provided, single submitter. Criteria: Quest Diagnostics criteria. Collection method: clinical testing. Allele origin: germline.

NM_000059.4(BRCA2):c.9565C>G (p.Pro3189Ala)

Gene: BRCA2 (BRCA2 DNA repair associated; plus strand). Cytogenetic location: 13q13.1.
Variant type: single nucleotide variant.
Coding change: c.9565C>G on transcript NM_000059.4 (MANE Select); coding-DNA position 9565, C replaced by G.
Protein change: p.Pro3189Ala; replaces proline 3189 with alanine.
Molecular consequence: missense variant.
Genome position (GRCh38, 1-based): chr13:32,396,961, C>G. VCF-style: chr13-32396961-C-G. GRCh37 (hg19) VCF-style: chr13-32971098-C-G.
Other names: short protein forms P3189A.
Identifiers: ClinVar variation 439020 (VCV000439020.16), dbSNP rs772385867, ClinGen allele CA6941414.